The following is an entry in ClinVar:

NM_000541.5(SAG):c.778G>A (p.Val260Ile)

Gene: SAG (S-antigen visual arrestin; plus strand). Cytogenetic location: 2q37.1.
Variant type: single nucleotide variant.
Coding change: c.778G>A on transcript NM_000541.5 (MANE Select); coding-DNA position 778, G replaced by A.
Protein change: p.Val260Ile; replaces valine 260 with isoleucine.
Molecular consequence: missense variant.
Genome position (GRCh38, 1-based): chr2:233,331,684, G>A. VCF-style: chr2-233331684-G-A. GRCh37 (hg19) VCF-style: chr2-234240330-G-A.
Other names: short protein forms V260I.
Identifiers: ClinVar variation 895368 (VCV000895368.8), dbSNP rs1443433091, ClinGen allele CA351048227.

ClinVar aggregate classification (germline): Uncertain significance. Review status: criteria provided, multiple submitters, no conflicts (2 of 4 stars). 3 submissions from 2 submitters: Uncertain significance (3). Last evaluated 2022-07-30.

Conditions:
Oguchi disease. Also called: Oguchi's disease. Identifiers: Orphanet 75382, MedGen C1306122, MONDO:0019152.
Retinitis pigmentosa (RP). Identifiers: Orphanet 791, MedGen C0035334, MeSH D012174, MONDO:0019200, OMIM 268000. Inheritance: Autosomal dominant, autosomal recessive and X linked inheritance.

Allele frequency attached by ClinVar (database versions not stated): gnomAD exomes below 0.00001; gnomAD 0.00001; TOPMed 0.00001.
gnomAD v4.1: 12 of 1,613,606 alleles (0.00074%); highest among the groups gnomAD compares: Admixed American, 0.0017%; no homozygotes.

Submissions (3):

Labcorp Genetics (formerly Invitae), Labcorp
Classification: Uncertain significance. Last evaluated: 2022-07-30. Review status: criteria provided, single submitter. Criteria: Invitae Variant Classification Sherloc (09022015). Collection method: clinical testing. Allele origin: germline.
Comment: This sequence change replaces valine, which is neutral and non-polar, with isoleucine, which is neutral and non-polar, at codon 260 of the SAG protein (p.Val260Ile). This variant is present in population databases (no rsID available, gnomAD 0.004%). In summary, the available evidence is currently insufficient to determine the role of this variant in disease. Therefore, it has been classified as a Variant of Uncertain Significance. Algorithms developed to predict the effect of missense changes on protein structure and function output the following: SIFT: "Tolerated"; PolyPhen-2: "Benign"; Align-GVGD: "Class C0". The isoleucine amino acid residue is found in multiple mammalian species, which suggests that this missense change does not adversely affect protein function. ClinVar contains an entry for this variant (Variation ID: 895368). This variant has not been reported in the literature in individuals affected with SAG-related conditions.

Illumina Laboratory Services, Illumina
Classification: Uncertain significance for Oguchi disease-1. Last evaluated: 2018-01-13. Review status: criteria provided, single submitter. Criteria: ICSL Variant Classification Criteria 13 December 2019. Collection method: clinical testing. Allele origin: germline.

Illumina Laboratory Services, Illumina
Classification: Uncertain significance for Retinitis pigmentosa. Last evaluated: 2018-01-13. Review status: criteria provided, single submitter. Criteria: ICSL Variant Classification Criteria 13 December 2019. Collection method: clinical testing. Allele origin: germline.